The following is an entry in ClinVar:

NM_007186.6(CEP250):c.4738G>A (p.Glu1580Lys)

Gene: CEP250 (centrosomal protein 250; plus strand). Cytogenetic location: 20q11.22.
Variant type: single nucleotide variant.
Coding change: c.4738G>A on transcript NM_007186.6 (MANE Select); coding-DNA position 4738, G replaced by A.
Protein change: p.Glu1580Lys; replaces glutamic acid 1580 with lysine.
Molecular consequence: missense variant.
Genome position (GRCh38, 1-based): chr20:35,503,107, G>A. VCF-style: chr20-35503107-G-A. GRCh37 (hg19) VCF-style: chr20-34090935-G-A.
Other names: c.2842G>A, p.Glu948Lys (NM_001318219.1); short protein forms E1580K, E948K.
Identifiers: ClinVar variation 964540 (VCV000964540.8), dbSNP rs762718386, ClinGen allele CA9833758.

ClinVar aggregate classification (germline): Uncertain significance (1 of 4 stars; one submission).

Allele frequency attached by ClinVar (database versions not stated): TOPMed below 0.00001; gnomAD exomes 0.00001 and 0.00002; ExAC 0.00002.
gnomAD v4.1: 5 of 1,614,168 alleles (0.00031%); highest among the groups gnomAD compares: Admixed American, 0.0083%; no homozygotes.

Submission:

Labcorp Genetics (formerly Invitae), Labcorp
Classification: Uncertain significance. Last evaluated: 2022-11-29. Review status: criteria provided, single submitter. Criteria: Invitae Variant Classification Sherloc (09022015). Collection method: clinical testing. Allele origin: germline.
Comment: In summary, the available evidence is currently insufficient to determine the role of this variant in disease. Therefore, it has been classified as a Variant of Uncertain Significance. Algorithms developed to predict the effect of missense changes on protein structure and function are either unavailable or do not agree on the potential impact of this missense change (SIFT: "Not Available"; PolyPhen-2: "Probably Damaging"; Align-GVGD: "Not Available"). ClinVar contains an entry for this variant (Variation ID: 964540). This variant has not been reported in the literature in individuals affected with CEP250-related conditions. This variant is present in population databases (rs762718386, gnomAD 0.01%). This sequence change replaces glutamic acid, which is acidic and polar, with lysine, which is basic and polar, at codon 1580 of the CEP250 protein (p.Glu1580Lys).